The following is an entry in ClinVar:

NM_001723.7(DST):c.7264G>A (p.Glu2422Lys)

Gene: DST (dystonin; minus strand). Cytogenetic location: 6p12.1.
Variant type: single nucleotide variant.
Coding change: c.7264G>A on transcript NM_001723.7 (MANE Plus Clinical); coding-DNA position 7264, G replaced by A.
Protein change: p.Glu2422Lys; replaces glutamic acid 2422 with lysine.
Molecular consequence: missense variant. On other transcripts: intron variant (10).
Genome position (GRCh38, 1-based): chr6:56,616,203, C>T on the plus strand (G>A on the coding strand, the complement: DST is on the minus strand). VCF-style: chr6-56616203-C-T. GRCh37 (hg19) VCF-style: chr6-56481001-C-T.
Other names: c.4831-1719G>A (NM_001144769.5); c.4930-1719G>A (NM_001374722.1, NM_001374736.1); c.4957-1719G>A (NM_001374734.1); c.4417-1719G>A (NM_001144770.2); c.4297-1719G>A (NM_001374730.1, NM_001386100.1, NM_183380.4 and 1 more transcripts); c.3319-1719G>A (NM_015548.5); short protein forms E2422K.
Identifiers: ClinVar variation 1427203 (VCV001427203.5), dbSNP rs2152729398, ClinGen allele CA364563357.

ClinVar aggregate classification (germline): Uncertain significance (1 of 4 stars; one submission).

Conditions:
Hereditary sensory and autonomic neuropathy type 6. Also called: Neuropathy, hereditary sensory and autonomic, type VI; HSAN VI. Identifiers: Orphanet 314381, MedGen C3539003, MONDO:0013839, OMIM 614653.
Epidermolysis bullosa simplex 3, localized or generalized intermediate, with BP230 deficiency (EBS3). Also called: Epidermolysis bullosa simplex due to BP230 deficiency; Epidermolysis bullosa simplex, autosomal recessive 2. Identifiers: Orphanet 412181, MedGen C3809470, MONDO:0014180, OMIM 615425.

gnomAD v4.1: 7 of 1,614,170 alleles (0.00043%); highest among the groups gnomAD compares: Non-Finnish European, 0.00051%; no homozygotes.

Submission:

Labcorp Genetics (formerly Invitae), Labcorp
Classification: Uncertain significance for Epidermolysis bullosa simplex 3, localized or generalized intermediate, with BP230 deficiency; Hereditary sensory and autonomic neuropathy type 6. Last evaluated: 2021-08-28. Review status: criteria provided, single submitter. Criteria: Invitae Variant Classification Sherloc (09022015). Collection method: clinical testing. Allele origin: germline.
Comment: This sequence change replaces glutamic acid with lysine at codon 2422 of the DST protein (p.Glu2422Lys). The glutamic acid residue is highly conserved and there is a small physicochemical difference between glutamic acid and lysine. This variant is not present in population databases (ExAC no frequency). This variant has not been reported in the literature in individuals affected with DST-related conditions. Algorithms developed to predict the effect of missense changes on protein structure and function are either unavailable or do not agree on the potential impact of this missense change (SIFT: "Deleterious"; PolyPhen-2: "Benign"; Align-GVGD: "Class C55"). In summary, the available evidence is currently insufficient to determine the role of this variant in disease. Therefore, it has been classified as a Variant of Uncertain Significance.